The following is an entry in ClinVar:

ClinVar aggregate classification (germline): Uncertain significance. Review status: criteria provided, multiple submitters, no conflicts (2 of 4 stars). 2 submissions from 2 submitters: Uncertain significance (2). Last evaluated 2026-01-06.

Conditions:
Inborn genetic diseases. Identifiers: MedGen C0950123, MeSH D030342.

Allele frequency attached by ClinVar (database versions not stated): gnomAD exomes 0.00007; ExAC 0.00011; gnomAD 0.00001.
gnomAD v4.1: 104 of 1,611,112 alleles (0.0065%); highest among the groups gnomAD compares: South Asian, 0.11%; 2 homozygotes.

Submissions (2):

Labcorp Genetics (formerly Invitae), Labcorp
Classification: Uncertain significance. Last evaluated: 2026-01-06. Review status: criteria provided, single submitter. Criteria: Invitae Variant Classification Sherloc (09022015). Collection method: clinical testing. Allele origin: germline.
Comment: This sequence change replaces threonine, which is neutral and polar, with serine, which is neutral and polar, at codon 316 of the TRPV6 protein (p.Thr316Ser). This variant is present in population databases (rs754397407, gnomAD 0.1%). This variant has not been reported in the literature in individuals affected with TRPV6-related conditions. ClinVar contains an entry for this variant (Variation ID: 2346786). Experimental studies and prediction algorithms are not available or were not evaluated, and the functional significance of this variant is currently unknown. In summary, the available evidence is currently insufficient to determine the role of this variant in disease. Therefore, it has been classified as a Variant of Uncertain Significance.

Ambry Genetics
Classification: Uncertain significance for Inborn genetic diseases. Last evaluated: 2025-08-13. Review status: criteria provided, single submitter. Criteria: Ambry Variant Classification Scheme 2023. Collection method: clinical testing. Allele origin: germline.

NM_018646.6(TRPV6):c.947C>G (p.Thr316Ser)

Gene: TRPV6 (transient receptor potential cation channel subfamily V member 6; minus strand). Cytogenetic location: 7q34.
Variant type: single nucleotide variant.
Coding change: c.947C>G on transcript NM_018646.6 (MANE Select); coding-DNA position 947, C replaced by G.
Protein change: p.Thr316Ser; replaces threonine 316 with serine.
Molecular consequence: missense variant.
Genome position (GRCh38, 1-based): chr7:142,875,840, G>C on the plus strand (C>G on the coding strand, the complement: TRPV6 is on the minus strand). VCF-style: chr7-142875840-G-C. GRCh37 (hg19) VCF-style: chr7-142573593-G-C.
Other names: short protein forms T316S.
Identifiers: ClinVar variation 2346786 (VCV002346786.4), dbSNP rs754397407, ClinGen allele CA4532680.